The following is an entry in ClinVar:

NC_000009.11:g.(?_135139626)_(135158820_?)dup

Gene: SETX (senataxin; minus strand). Cytogenetic location: 9q34.13.
Variant type: Duplication.
Identifiers: ClinVar variation 3245204 (VCV003245204.1).

ClinVar aggregate classification (germline): Uncertain significance (1 of 4 stars; one submission).

Conditions:
Amyotrophic lateral sclerosis type 4 (ALS4). Also called: AMYOTROPHIC LATERAL SCLEROSIS 4, JUVENILE; NEURONOPATHY, DISTAL HEREDITARY MOTOR, WITH PYRAMIDAL FEATURES. Identifiers: Orphanet 357043, MedGen C1865409, MONDO:0011223, OMIM 602433.
Spinocerebellar ataxia, autosomal recessive, with axonal neuropathy 2 (SCAN2). Also called: Ataxia-ocular apraxia-2; ATAXIA-OCULOMOTOR APRAXIA 2; Ataxia with Oculomotor Apraxia; Ataxia with Oculomotor Apraxia Type 2. Identifiers: Orphanet 64753, MedGen C1853761, MONDO:0018996, OMIM 606002.

Submission:

Labcorp Genetics (formerly Invitae), Labcorp
Classification: Uncertain significance for Amyotrophic lateral sclerosis type 4; Spinocerebellar ataxia, autosomal recessive, with axonal neuropathy 2. Last evaluated: 2023-11-27. Review status: criteria provided, single submitter. Criteria: Invitae Variant Classification Sherloc (09022015). Collection method: clinical testing. Allele origin: unknown.
Comment: This variant results in a copy number gain of the genomic region encompassing exon(s) 19-26 of the SETX gene. This region includes the termination codon of the gene. This copy number gain extends beyond the assayed region for this gene and therefore may encompass additional genes. As the precise location of this event is unknown, it may be in tandem or it may be located elsewhere in the genome. This variant has not been reported in the literature in individuals affected with SETX-related conditions. Experimental studies and prediction algorithms are not available or were not evaluated, and the functional significance of this variant is currently unknown. In summary, the available evidence is currently insufficient to determine the role of this variant in disease. Therefore, it has been classified as a Variant of Uncertain Significance.